The following is an entry in ClinVar:

NM_177438.3(DICER1):c.2535_2539delinsAATCAACTTCAAGCATT (p.Thr847delinsAsnPheLysHisSer)

Gene: DICER1 (dicer 1, ribonuclease III; minus strand). Cytogenetic location: 14q32.13.
Variant type: Indel.
Coding change: c.2535_2539delinsAATCAACTTCAAGCATT on transcript NM_177438.3 (MANE Select); coding-DNA positions 2535 to 2539, GATTA replaced by AATCAACTTCAAGCATT.
Protein change: p.Thr847delinsAsnPheLysHisSer.
Molecular consequence: inframe indel.
Genome position (GRCh38, 1-based): chr14:95,107,991-95,107,995, TAATC replaced by AATGCTTGAAGTTGATT on the plus strand (GATTA replaced by AATCAACTTCAAGCATT on the coding strand, the reverse complement: DICER1 is on the minus strand). VCF-style: chr14-95107991-TAATC-AATGCTTGAAGTTGATT. GRCh37 (hg19) VCF-style: chr14-95574328-TAATC-AATGCTTGAAGTTGATT.
Other names: c.2535_2539delinsAATCAACTTCAAGCATT, p.Thr847delinsAsnPheLysHisSer (NM_001195573.1, NM_001271282.3, NM_001291628.2 and 1 more transcripts).
Identifiers: ClinVar variation 933057 (VCV000933057.3), dbSNP rs1891601794, ClinGen allele CA1139663655.

ClinVar aggregate classification (germline): Likely pathogenic (1 of 4 stars; one submission).

Conditions:
DICER1-related tumor predisposition. Also called: DICER1-related pleuropulmonary blastoma cancer predisposition syndrome; DICER1 syndrome. Identifiers: Orphanet 284343, MedGen C3839822, MONDO:0100216.

Submission:

Foulkes Cancer Genetics LDI, Lady Davis Institute for Medical Research
Classification: Likely pathogenic for Pleuropulmonary blastoma. Last evaluated: 2019-07-01. Review status: criteria provided, single submitter. Criteria: ACMG Guidelines, 2015. Collection method: curation. Allele origin: germline. Affected: yes. Observed: 1 variant allele.
Comment: ACMG criteria met: PS3, PM2, PM4

Literature cited by the submitters: PubMed 29474644.